The following is an entry in ClinVar:

NM_000361.3(THBD):c.1450A>G (p.Lys484Glu)

Gene: THBD (thrombomodulin; minus strand). Cytogenetic location: 20p11.21.
Variant type: single nucleotide variant.
Coding change: c.1450A>G on transcript NM_000361.3 (MANE Select); coding-DNA position 1450, A replaced by G.
Protein change: p.Lys484Glu; replaces lysine 484 with glutamic acid.
Molecular consequence: missense variant.
Genome position (GRCh38, 1-based): chr20:23,048,055, T>C on the plus strand (A>G on the coding strand, the complement: THBD is on the minus strand). VCF-style: chr20-23048055-T-C. GRCh37 (hg19) VCF-style: chr20-23028692-T-C.
Other names: short protein forms K484E.
Identifiers: ClinVar variation 3340047 (VCV003340047.1).

ClinVar aggregate classification (germline): Uncertain significance (1 of 4 stars; one submission).

gnomAD v4.1: 2 of 1,612,634 alleles (0.00012%); highest among the groups gnomAD compares: Non-Finnish European, 0.00017%; no homozygotes.

Submission:

Women's Health and Genetics/Laboratory Corporation of America, LabCorp
Classification: Uncertain significance. Last evaluated: 2024-06-17. Review status: criteria provided, single submitter. Criteria: LabCorp Variant Classification Summary - May 2015. Collection method: clinical testing. Allele origin: germline.
Comment: Variant summary: THBD c.1450A>G (p.Lys484Glu) results in a conservative amino acid change in the encoded protein sequence. Five of five in-silico tools predict a benign effect of the variant on protein function. The variant was absent in 245938 control chromosomes. The available data on variant occurrences in the general population are insufficient to allow any conclusion about variant significance. To our knowledge, no occurrence of c.1450A>G in individuals affected with THBD-Related Disorders and no experimental evidence demonstrating its impact on protein function have been reported. No submitters have cited clinical-significance assessments for this variant to ClinVar. Based on the evidence outlined above, the variant was classified as uncertain significance.